The following is an entry in ClinVar:

ClinVar aggregate classification (germline): Uncertain significance. Review status: criteria provided, multiple submitters, no conflicts (2 of 4 stars). 7 submissions from 6 submitters: Uncertain significance (7). Last evaluated 2025-06-16.

Conditions:
Seckel syndrome 1 (SCKL1). Also called: MICROCEPHALIC PRIMORDIAL DWARFISM I. Identifiers: Orphanet 808, MedGen C4551474, MONDO:0008869, OMIM 210600.
Familial cutaneous telangiectasia and oropharyngeal predisposition cancer syndrome. Identifiers: Orphanet 313846, MedGen C3281203, MONDO:0013806, OMIM 614564.
Inborn genetic diseases. Identifiers: MedGen C0950123, MeSH D030342.

Allele frequency attached by ClinVar (database versions not stated): gnomAD 0.00001; gnomAD exomes 0.00002 and 0.00005; TOPMed 0.00002; ExAC 0.00004.
gnomAD v4.1: 35 of 1,614,038 alleles (0.0022%); highest among the groups gnomAD compares: Middle Eastern, 0.049%; no homozygotes.

Submissions (7):

Dasa
Classification: Uncertain significance. Last evaluated: 2025-06-16. Review status: criteria provided, single submitter. Criteria: DASA Assertion Criteria. Collection method: clinical testing. Allele origin: germline.
Comment: NM_001184.4(ATR):c.5303A>G (p.Asp1768Gly) is a missense variant that results in the substitution of aspartic acid with glycine. This variant is rare in population databases. Computational prediction algorithms are consistent with a benign effect. The currently available literature and clinical evidence are not sufficient to establish a definitive association between this variant and the reported condition. Therefore, this variant is classified as a variant of uncertain significance.

Ambry Genetics
Classification: Uncertain significance for Inborn genetic diseases. Last evaluated: 2023-09-25. Review status: criteria provided, single submitter. Criteria: Ambry Variant Classification Scheme 2023. Collection method: clinical testing. Allele origin: germline.

Labcorp Genetics (formerly Invitae), Labcorp
Classification: Uncertain significance. Last evaluated: 2023-09-21. Review status: criteria provided, single submitter. Criteria: Invitae Variant Classification Sherloc (09022015). Collection method: clinical testing. Allele origin: germline.
Comment: In summary, the available evidence is currently insufficient to determine the role of this variant in disease. Therefore, it has been classified as a Variant of Uncertain Significance. An algorithm developed to predict the effect of missense changes on protein structure and function (PolyPhen-2) suggests that this variant¬†is likely to be tolerated. ClinVar contains an entry for this variant (Variation ID: 1008314). This variant has not been reported in the literature in individuals affected with ATR-related conditions. This variant is present in population databases (rs763130593, gnomAD 0.009%). This sequence change replaces aspartic acid, which is acidic and polar, with glycine, which is neutral and non-polar, at codon 1768 of the ATR protein (p.Asp1768Gly).

CeGaT Center for Human Genetics Tuebingen
Classification: Uncertain significance. Last evaluated: 2023-07-01. Review status: criteria provided, single submitter. Criteria: CeGaT Center For Human Genetics Tuebingen Variant Classification Criteria Version 2. Collection method: clinical testing. Allele origin: germline. Affected: yes. Observed: 1 variant allele.
Comment: ATR: PM2, BP4

Genome-Nilou Lab
Classification: Uncertain significance for Seckel syndrome 1. Last evaluated: 2023-02-08. Review status: criteria provided, single submitter. Criteria: ACMG Guidelines, 2015. Collection method: clinical testing. Allele origin: germline.

Genome-Nilou Lab
Classification: Uncertain significance for Familial cutaneous telangiectasia and oropharyngeal predisposition cancer syndrome. Last evaluated: 2023-02-08. Review status: criteria provided, single submitter. Criteria: ACMG Guidelines, 2015. Collection method: clinical testing. Allele origin: germline.

Fulgent Genetics
Classification: Uncertain significance for Seckel syndrome 1; Familial cutaneous telangiectasia and oropharyngeal predisposition cancer syndrome. Last evaluated: 2022-05-16. Review status: criteria provided, single submitter. Criteria: ACMG Guidelines, 2015. Collection method: clinical testing. Allele origin: unknown.

NM_001184.4(ATR):c.5303A>G (p.Asp1768Gly)

Gene: ATR (ATR checkpoint kinase; minus strand). Cytogenetic location: 3q23.
Variant type: single nucleotide variant.
Coding change: c.5303A>G on transcript NM_001184.4 (MANE Select); coding-DNA position 5303, A replaced by G.
Protein change: p.Asp1768Gly; replaces aspartic acid 1768 with glycine.
Molecular consequence: missense variant.
Genome position (GRCh38, 1-based): chr3:142,499,704, T>C on the plus strand (A>G on the coding strand, the complement: ATR is on the minus strand). VCF-style: chr3-142499704-T-C. GRCh37 (hg19) VCF-style: chr3-142218546-T-C.
Other names: c.5111A>G, p.Asp1704Gly (NM_001354579.2); c.5303A>G (NM_001184.3); short protein forms D1704G, D1768G.
Identifiers: ClinVar variation 1008314 (VCV001008314.37), dbSNP rs763130593, ClinGen allele CA2649640.